The following is an entry in ClinVar:

NM_001061.7(TBXAS1):c.794T>A (p.Leu265Ter)

Gene: TBXAS1 (thromboxane A synthase 1; plus strand). Cytogenetic location: 7q34.
Variant type: single nucleotide variant.
Coding change: c.794T>A on transcript NM_001061.7 (MANE Select); coding-DNA position 794, T replaced by A.
Protein change: p.Leu265Ter; replaces leucine 265 with a stop codon.
Molecular consequence: nonsense.
Genome position (GRCh38, 1-based): chr7:139,957,739, T>A. VCF-style: chr7-139957739-T-A. GRCh37 (hg19) VCF-style: chr7-139657538-T-A.
Other names: c.794T>A, p.Leu265Ter (NM_001130966.5, NM_030984.6); c.932T>A, p.Leu311Ter (NM_001166253.4); c.593T>A, p.Leu198Ter (NM_001166254.4); c.737T>A, p.Leu246Ter (NM_001314028.4); c.611T>A, p.Leu204Ter (NM_001366537.3); short protein forms L198*, L204*, L246*, L265*, L311*.
Identifiers: ClinVar variation 1311197 (VCV001311197.2), dbSNP rs2117350219, ClinGen allele CA369582865.
Genomic context (GRCh38, chr7:139,957,739, plus strand): 5'-ATAAGAACCGAGACGAACTGAATGGCTTTTTTAACAAACTCATTAGGAATGTGATTGCCT[T>A]GCGGGACCAGCAAGCTGCCGAAGAGGTAACGTATTTTAATAGGACACAGCCTTGAAATGG-3'

ClinVar aggregate classification (germline): Uncertain significance (1 of 4 stars; one submission).

Submission:

GeneDx
Classification: Uncertain significance. Last evaluated: 2020-01-11. Review status: criteria provided, single submitter. Criteria: GeneDx Variant Classification Process June 2021. Collection method: clinical testing. Allele origin: germline. Affected: yes.
Comment: Not observed in large population cohorts (Lek et al., 2016); Nonsense variant predicted to result in protein truncation or nonsense mediated decay in a gene for which loss-of-function is not a known mechanism of disease; Has not been previously published as pathogenic or benign to our knowledge